The following is an entry in ClinVar:

NM_000136.3(FANCC):c.1532T>C (p.Leu511Pro)

Genes: AOPEP (aminopeptidase O (putative); plus strand), FANCC (FA complementation group C; minus strand). Cytogenetic location: 9q22.32.
Variant type: single nucleotide variant.
Coding change: c.1532T>C on transcript NM_000136.3 (MANE Select); coding-DNA position 1532, T replaced by C.
Protein change: p.Leu511Pro; replaces leucine 511 with proline.
Molecular consequence: missense variant.
Genome position (GRCh38, 1-based): chr9:95,107,067, A>G on the plus strand (T>C on the coding strand, the complement: FANCC is on the minus strand). VCF-style: chr9-95107067-A-G. GRCh37 (hg19) VCF-style: chr9-97869349-A-G.
Other names: c.1532T>C, p.Leu511Pro (NM_001243743.2); short protein forms L511P.
Identifiers: ClinVar variation 526325 (VCV000526325.9), dbSNP rs1554828313, ClinGen allele CA374105472.
Genomic context (GRCh38, chr9:95,107,067, plus strand): 5'-CCCACCTCTCGCCTGGAGCAGAAATGAGTACTAGGATGCTGGACCACAGGGAGACTTACC[A>G]GGGTGATGACATCCCAGGCGATCGTGTGGCCTCCAGGAGCCCAGAGCAGGAAGTTGAGGA-3'
Protein context (NP_000127.2, residues 501-521): GHTIAWDVIT[Leu511Pro]MAHTAEITHE

ClinVar aggregate classification (germline): Uncertain significance. Review status: criteria provided, multiple submitters, no conflicts (2 of 4 stars). 2 submissions from 2 submitters: Uncertain significance (2). Last evaluated 2024-08-21.

Conditions:
Fanconi anemia (FA). Also called: Fanconi's anemia. Identifiers: Orphanet 84, MedGen C0015625, MeSH D005199, MONDO:0019391.
Hereditary cancer-predisposing syndrome. Also called: Neoplastic Syndromes, Hereditary; Tumor predisposition; Hereditary Cancer Syndrome; Hereditary neoplastic syndrome. Identifiers: Orphanet 140162, MedGen C0027672, MeSH D009386, MONDO:0015356.

Submissions (2):

Ambry Genetics
Classification: Uncertain significance for Hereditary cancer-predisposing syndrome. Last evaluated: 2024-08-21. Review status: criteria provided, single submitter. Criteria: Ambry Variant Classification Scheme 2023. Collection method: clinical testing. Allele origin: germline.
Comment: The p.L511P variant (also known as c.1532T>C), located in coding exon 13 of the FANCC gene, results from a T to C substitution at nucleotide position 1532. The leucine at codon 511 is replaced by proline, an amino acid with similar properties. This amino acid position is conserved. In addition, this alteration is predicted to be tolerated by in silico analysis. Based on the available evidence, the clinical significance of this variant remains unclear.

Labcorp Genetics (formerly Invitae), Labcorp
Classification: Uncertain significance for Fanconi anemia. Last evaluated: 2017-10-15. Review status: criteria provided, single submitter. Criteria: Invitae Variant Classification Sherloc (09022015). Collection method: clinical testing. Allele origin: germline.
Comment: In summary, the available evidence is currently insufficient to determine the role of this variant in disease. Therefore, it has been classified as a Variant of Uncertain Significance. Algorithms developed to predict the effect of missense changes on protein structure and function (SIFT, PolyPhen-2, Align-GVGD) all suggest that this variant is likely to be tolerated, but these predictions have not been confirmed by published functional studies and their clinical significance is uncertain. This variant has not been reported in the literature in individuals with FANCC-related disease. This variant is not present in population databases (ExAC no frequency). This sequence change replaces leucine with proline at codon 511 of the FANCC protein (p.Leu511Pro). The leucine residue is weakly conserved and there is a moderate physicochemical difference between leucine and proline.